The following is an entry in ClinVar:

NM_152381.6(XIRP2):c.8183G>A (p.Ser2728Asn)

Gene: XIRP2 (xin actin binding repeat containing 2; plus strand). Cytogenetic location: 2q24.3.
Variant type: single nucleotide variant.
Coding change: c.8183G>A on transcript NM_152381.6 (MANE Select); coding-DNA position 8183, G replaced by A.
Protein change: p.Ser2728Asn; replaces serine 2728 with asparagine.
Molecular consequence: missense variant. On other transcripts: intron variant (3).
Genome position (GRCh38, 1-based): chr2:167,249,575, G>A. VCF-style: chr2-167249575-G-A. GRCh37 (hg19) VCF-style: chr2-168106085-G-A.
Other names: c.7517G>A, p.Ser2506Asn (NM_001199144.2); c.1276-4457G>A (NM_001199143.2); c.1177-4457G>A (NM_001079810.4); c.511-4457G>A (NM_001199145.2); short protein forms S2506N, S2728N.
Identifiers: ClinVar variation 3056737 (VCV003056737.2), dbSNP rs16853328, ClinGen allele CA1947768.

ClinVar aggregate classification (germline): Benign (0 of 4 stars; one submission).

Conditions:
XIRP2-related disorder. Also called: XIRP2-related condition.

Allele frequency attached by ClinVar (database versions not stated): gnomAD exomes 0.10594; ExAC 0.12601; ESP Exome Variant Server 0.14800; gnomAD 0.15246; TOPMed 0.15567; 1000 Genomes Project 30x 0.17224; 1000 Genomes Project 0.17272.
gnomAD v4.1: 178,594 of 1,613,332 alleles (11%); highest among the groups gnomAD compares: African/African-American, 27%; 11,422 homozygotes.

Submission:

PreventionGenetics, part of Exact Sciences
Classification: Benign for XIRP2-related condition. Last evaluated: 2019-11-06. Review status: no assertion criteria provided. Collection method: clinical testing. Allele origin: germline.
Comment: This variant is classified as benign based on ACMG/AMP sequence variant interpretation guidelines (Richards et al. 2015 PMID: 25741868, with internal and published modifications).